The following is an entry in ClinVar:

NM_014252.4(SLC25A15):c.*579C>T

Gene: SLC25A15 (solute carrier family 25 member 15; plus strand). Cytogenetic location: 13q14.11.
Variant type: single nucleotide variant.
Coding change: c.*579C>T on transcript NM_014252.4 (MANE Select); 579 bases downstream of the stop codon, C replaced by T.
Molecular consequence: 3 prime UTR variant.
Genome position (GRCh38, 1-based): chr13:40,810,246, C>T. VCF-style: chr13-40810246-C-T. GRCh37 (hg19) VCF-style: chr13-41384382-C-T.
Identifiers: ClinVar variation 312190 (VCV000312190.5), dbSNP rs7321976, ClinGen allele CA10644553.
Genomic context (GRCh38, chr13:40,810,246, plus strand): 5'-TCTCACTCTGTCACCCAGACTGGAGTGCAGTGGCACGATCTCGGCTCACTGCAACCTCCG[C>T]CTCCTGGGTTCAAGCGATTCTCTCACCTCAGCCTCCTGAGTAGCTGGGATTACAGGTACG-3'

ClinVar aggregate classification (germline): Benign (1 of 4 stars; one submission).

Conditions:
Hyperornithinemia-hyperammonemia-homocitrullinuria syndrome (HHHS). Also called: HHH SYNDROME; Ornithine translocase deficiency. Identifiers: Orphanet 415, MedGen C0268540, MONDO:0009393, OMIM 238970.

Allele frequency attached by ClinVar (database versions not stated): gnomAD exomes 0.39090; TOPMed 0.39220; gnomAD 0.39308 and 0.39603; 1000 Genomes Project 30x 0.41661; 1000 Genomes Project 0.42372.

Submission:

Illumina Laboratory Services, Illumina
Classification: Benign for Hyperornithinemia-hyperammonemia-homocitrullinuria syndrome. Last evaluated: 2018-01-13. Review status: criteria provided, single submitter. Criteria: ICSL Variant Classification Criteria 13 December 2019. Collection method: clinical testing. Allele origin: germline.
Comment: This variant was observed in the ICSL laboratory as part of a predisposition screen in an ostensibly healthy population. It had not been previously curated by ICSL or reported in the Human Gene Mutation Database (HGMD: prior to June 1st, 2018), and was therefore a candidate for classification through an automated scoring system. Utilizing variant allele frequency, disease prevalence and penetrance estimates, and inheritance mode, an automated score was calculated to assess if this variant is too frequent to cause the disease. Based on the score and internal cut-off values, a variant classified as benign is not then subjected to further curation. The score for this variant resulted in a classification of benign for this disease.